The following is an entry in ClinVar:

ClinVar aggregate classification (germline): Uncertain significance (1 of 4 stars; one submission).

Submission:

GeneDx
Classification: Uncertain significance. Last evaluated: 2025-06-16. Review status: criteria provided, single submitter. Criteria: GeneDx Variant Classification Process June 2021. Collection method: clinical testing. Allele origin: germline. Affected: yes.
Comment: Not observed at significant frequency in large population cohorts (gnomAD); In silico analysis supports that this missense variant has a deleterious effect on protein structure/function; Has not been previously published as pathogenic or benign to our knowledge

NM_005902.4(SMAD3):c.1067T>C (p.Val356Ala)

Gene: SMAD3 (SMAD family member 3; plus strand). Cytogenetic location: 15q22.33.
Variant type: single nucleotide variant.
Coding change: c.1067T>C on transcript NM_005902.4 (MANE Select); coding-DNA position 1067, T replaced by C.
Protein change: p.Val356Ala; replaces valine 356 with alanine.
Molecular consequence: missense variant.
Genome position (GRCh38, 1-based): chr15:67,187,422, T>C. VCF-style: chr15-67187422-T-C. GRCh37 (hg19) VCF-style: chr15-67479760-T-C.
Other names: c.752T>C, p.Val251Ala (NM_001145102.2, NM_001407016.1); c.935T>C, p.Val312Ala (NM_001145103.2, NM_001407012.1); c.482T>C, p.Val161Ala (NM_001145104.2, NM_001407017.1); c.1178T>C, p.Val393Ala (NM_001407011.1); c.929T>C, p.Val310Ala (NM_001407013.1); c.920T>C, p.Val307Ala (NM_001407014.1); c.620T>C, p.Val207Ala (NM_001407015.1); short protein forms V161A, V207A, V251A, V307A, V310A, V312A, V356A, V393A.
Identifiers: ClinVar variation 4538758 (VCV004538758.1).